The following is an entry in ClinVar:

ClinVar aggregate classification (germline): Uncertain significance (1 of 4 stars; one submission).

Conditions:
Alzheimer disease. Also called: Presenile and senile dementia; Alzheimer's disease. Identifiers: Orphanet 1020, MedGen C0002395, MeSH D000544, MONDO:0004975, HP:0002511.

gnomAD v4.1: 2 of 1,613,886 alleles (0.00012%); highest among the groups gnomAD compares: Non-Finnish European, 0.00017%; no homozygotes.

Submission:

Labcorp Genetics (formerly Invitae), Labcorp
Classification: Uncertain significance for Alzheimer disease. Last evaluated: 2024-04-16. Review status: criteria provided, single submitter. Criteria: Invitae Variant Classification Sherloc (09022015). Collection method: clinical testing. Allele origin: germline.
Comment: This sequence change replaces arginine, which is basic and polar, with cysteine, which is neutral and slightly polar, at codon 643 of the APP protein (p.Arg643Cys). This variant is not present in population databases (gnomAD no frequency). This variant has not been reported in the literature in individuals affected with APP-related conditions. Advanced modeling of protein sequence and biophysical properties (such as structural, functional, and spatial information, amino acid conservation, physicochemical variation, residue mobility, and thermodynamic stability) has been performed at Invitae for this missense variant, however the output from this modeling did not meet the statistical confidence thresholds required to predict the impact of this variant on APP protein function. In summary, the available evidence is currently insufficient to determine the role of this variant in disease. Therefore, it has been classified as a Variant of Uncertain Significance.

NM_000484.4(APP):c.1927C>T (p.Arg643Cys)

Gene: APP (amyloid beta precursor protein; minus strand). Cytogenetic location: 21q21.3.
Variant type: single nucleotide variant.
Coding change: c.1927C>T on transcript NM_000484.4 (MANE Select); coding-DNA position 1927, C replaced by T.
Protein change: p.Arg643Cys; replaces arginine 643 with cysteine.
Molecular consequence: missense variant. On other transcripts: intron variant (3).
Genome position (GRCh38, 1-based): chr21:25,905,060, G>A on the plus strand (C>T on the coding strand, the complement: APP is on the minus strand). VCF-style: chr21-25905060-G-A. GRCh37 (hg19) VCF-style: chr21-27277372-G-A.
Other names: c.1855C>T, p.Arg619Cys (NM_001136016.3); c.1534C>T, p.Arg512Cys (NM_001136129.3); c.1759C>T, p.Arg587Cys (NM_001136130.3, NM_001385253.1); c.1597C>T, p.Arg533Cys (NM_001136131.3); c.1870C>T, p.Arg624Cys (NM_201413.3); c.1702C>T, p.Arg568Cys (NM_201414.3); c.1684+6681C>T (NM_001204303.2); c.1852+6681C>T (NM_001204302.2); and 1 more; short protein forms R533C, R587C, R643C, R568C, R512C, R619C, R624C.
Identifiers: ClinVar variation 3715392 (VCV003715392.2).
Genomic context (GRCh38, chr21:25,905,060, plus strand): 5'-GCACAAGTCAAGCGGTTCTGATACCTGGTCGAGTGGTCAGTCCTCGGTCGGCAGCAGGGC[G>A]GGCATCAACAGGCTCAACTGGGCACAGGAAGCAAGGGACACAGAAAGCAAACAAGACAAA-3'
Protein context (NP_000475.1, residues 633-653): TENEVEPVDA[Arg643Cys]PAADRGLTTR